The following is an entry in ClinVar:

ClinVar aggregate classification (germline): Uncertain significance (1 of 4 stars; one submission).

Allele frequency attached by ClinVar (database versions not stated): 1000 Genomes Project 30x 0.00016.
gnomAD v4.1: 21 of 1,397,884 alleles (0.0015%); highest among the groups gnomAD compares: African/African-American, 0.029%; no homozygotes.

Submission:

GeneDx
Classification: Uncertain significance. Last evaluated: 2022-12-20. Review status: criteria provided, single submitter. Criteria: GeneDx Variant Classification Process June 2021. Collection method: clinical testing. Allele origin: germline. Affected: yes.
Comment: Has not been previously published as pathogenic or benign to our knowledge; In silico analysis suggests this variant may impact gene splicing. In the absence of RNA/functional studies, the actual effect of this sequence change is unknown.

NM_001330701.2(AGTPBP1):c.-87T>G

Genes: AGTPBP1 (ATP/GTP binding carboxypeptidase 1; minus strand), LOC130001960 (ATAC-STARR-seq lymphoblastoid silent region 19988; plus strand). Cytogenetic location: 9q21.33.
Variant type: single nucleotide variant.
Coding change: c.-87T>G on transcript NM_001330701.2 (MANE Select); 87 bases upstream of the start codon, T replaced by G.
Molecular consequence: 5 prime UTR variant. On other transcripts: synonymous variant (2).
Genome position (GRCh38, 1-based): chr9:85,741,828, A>C on the plus strand (T>G on the coding strand, the complement: AGTPBP1 is on the minus strand). VCF-style: chr9-85741828-A-C. GRCh37 (hg19) VCF-style: chr9-88356743-A-C.
Other names: c.135T>G, p.Ala45= (NM_001286715.1, NM_001286717.1); c.-87T>G (NM_015239.3).
Identifiers: ClinVar variation 2506621 (VCV002506621.1), dbSNP rs10114347, ClinGen allele CA589027536.